The following is an entry in ClinVar:

ClinVar aggregate classification (germline): Uncertain significance (1 of 4 stars; one submission).

Conditions:
CEP164-related disorder. Also called: CEP164-related condition.

gnomAD v4.1: 1 of 1,614,156 alleles (0.000062%); highest among the groups gnomAD compares: Admixed American, 0.0017%; no homozygotes.

Submission:

PreventionGenetics, part of Exact Sciences
Classification: Uncertain significance for CEP164-related condition. Last evaluated: 2026-05-11. Review status: criteria provided, single submitter. Criteria: ACMG Guidelines, 2015. Collection method: clinical testing. Allele origin: germline.
Comment: The CEP164 c.4354C>T variant is predicted to result in the amino acid substitution p.His1452Tyr. To our knowledge, this variant has not been reported in the literature or in a large population database (gnomAD), indicating this variant is rare. At this time, the clinical significance of this variant is uncertain due to the absence of conclusive functional and genetic evidence.

NM_014956.5(CEP164):c.4354C>T (p.His1452Tyr)

Gene: CEP164 (centrosomal protein 164; plus strand). Cytogenetic location: 11q23.3.
Variant type: single nucleotide variant.
Coding change: c.4354C>T on transcript NM_014956.5 (MANE Select); coding-DNA position 4354, C replaced by T.
Protein change: p.His1452Tyr; replaces histidine 1452 with tyrosine.
Molecular consequence: missense variant.
Genome position (GRCh38, 1-based): chr11:117,412,139, C>T. VCF-style: chr11-117412139-C-T. GRCh37 (hg19) VCF-style: chr11-117282855-C-T.
Other names: c.4339C>T, p.His1447Tyr (NM_001271933.2); c.4360C>T, p.His1454Tyr (NM_001440949.1); c.4354C>T, p.His1452Tyr (NM_001440950.1, NM_001440951.1); c.4345C>T, p.His1449Tyr (NM_001440952.1); c.4330C>T, p.His1444Tyr (NM_001440953.1); c.4276C>T, p.His1426Tyr (NM_001440954.1, NM_001440955.1); c.4267C>T, p.His1423Tyr (NM_001440956.1); c.4264C>T, p.His1422Tyr (NM_001440957.1); and 21 more; short protein forms H1327Y, H1348Y, H1402Y, H1403Y, H1406Y, H1418Y, H1423Y, H1368Y.
Identifiers: ClinVar variation 4979614 (VCV004979614.1).